The following is an entry in ClinVar:

NM_014244.5(ADAMTS2):c.*1819G>A

Gene: ADAMTS2 (ADAM metallopeptidase with thrombospondin type 1 motif 2; minus strand). Cytogenetic location: 5q35.3.
Variant type: single nucleotide variant.
Coding change: c.*1819G>A on transcript NM_014244.5 (MANE Select); 1819 bases downstream of the stop codon, G replaced by A.
Molecular consequence: 3 prime UTR variant.
Genome position (GRCh38, 1-based): chr5:179,112,048, C>T on the plus strand (G>A on the coding strand, the complement: ADAMTS2 is on the minus strand). VCF-style: chr5-179112048-C-T. GRCh37 (hg19) VCF-style: chr5-178539049-C-T.
Identifiers: ClinVar variation 353056 (VCV000353056.5), dbSNP rs115989271, ClinGen allele CA10624229.

ClinVar aggregate classification (germline): Benign (1 of 4 stars; one submission).

Conditions:
Ehlers-Danlos syndrome, dermatosparaxis type. Also called: EDS VIIC; Dermatosparaxis; Ehlers-Danlos syndrome, type VII, autosomal recessive. Identifiers: Orphanet 1901, MedGen C2700425, MONDO:0009161, OMIM 225410.

Allele frequency attached by ClinVar (database versions not stated): gnomAD 0.00929 and 0.00991; TOPMed 0.01077; 1000 Genomes Project 0.01238; 1000 Genomes Project 30x 0.01359.

Submission:

Illumina Laboratory Services, Illumina
Classification: Benign for Ehlers-Danlos syndrome, dermatosparaxis type. Last evaluated: 2018-01-12. Review status: criteria provided, single submitter. Criteria: ICSL Variant Classification Criteria 13 December 2019. Collection method: clinical testing. Allele origin: germline.
Comment: This variant was observed in the ICSL laboratory as part of a predisposition screen in an ostensibly healthy population. It had not been previously curated by ICSL or reported in the Human Gene Mutation Database (HGMD: prior to June 1st, 2018), and was therefore a candidate for classification through an automated scoring system. Utilizing variant allele frequency, disease prevalence and penetrance estimates, and inheritance mode, an automated score was calculated to assess if this variant is too frequent to cause the disease. Based on the score and internal cut-off values, a variant classified as benign is not then subjected to further curation. The score for this variant resulted in a classification of benign for this disease.